The following is an entry in ClinVar:

NM_001077365.2(POMT1):c.568C>T (p.Leu190=)

Gene: POMT1 (protein O-mannosyltransferase 1; plus strand). Cytogenetic location: 9q34.13.
Variant type: single nucleotide variant.
Coding change: c.568C>T on transcript NM_001077365.2 (MANE Select); coding-DNA position 568, C replaced by T.
Protein change: p.Leu190=; no amino-acid change (leucine 190 retained).
Molecular consequence: synonymous variant. On other transcripts: non-coding transcript variant (10).
Genome position (GRCh38, 1-based): chr9:131,509,771, C>T. VCF-style: chr9-131509771-C-T. GRCh37 (hg19) VCF-style: chr9-134385158-C-T.
Other names: c.406C>T, p.Leu136= (NM_001077366.2, NM_001353194.2, NM_001353197.2 and 3 more transcripts); c.568C>T, p.Leu190= (NM_001136113.2, NM_001353193.2, NM_001374690.1 and 1 more transcripts); c.217C>T, p.Leu73= (NM_001136114.2, NM_001353195.2, NM_001353199.2 and 2 more transcripts); c.478C>T, p.Leu160= (NM_001353196.2); c.112C>T, p.Leu38= (NM_001353200.2, NM_001374695.1).
Identifiers: ClinVar variation 281263 (VCV000281263.16), dbSNP rs752931210, ClinGen allele CA5293324.
Genomic context (GRCh38, chr9:131,509,771, plus strand): 5'-TTCTGTCTCCATCTGCTTTGTTTTTATTCCAGCCCTTTTTCTCTGAGCTGGTGGTTCTGG[C>T]TAACACTGACAGGGGTCGCTTGTTCCTGTGCAGTGGGGTGAGTTTGAGCCTCTGGTCTTG-3'
Protein context (NP_001070833.1, residues 180-200): SPFSLSWWFW[Leu190=]TLTGVACSCA

ClinVar aggregate classification (germline): Conflicting classifications of pathogenicity. Review status: criteria provided, conflicting classifications (1 of 4 stars). 4 submissions from 4 submitters: Uncertain significance (1); Likely benign (2). 1 of the submissions does not count toward it. Last evaluated 2025-02-05.

Conditions:
POMT1-related disorder. Also called: POMT1-related condition; POMT1-related disorders.
Walker-Warburg congenital muscular dystrophy. Also called: Muscular dystrophy-dystroglycanopathy, type A; Walker-Warburg syndrome. Identifiers: Orphanet 899, MedGen C0265221, MONDO:0000171.
Muscular dystrophy-dystroglycanopathy (congenital with impaired intellectual development), type B, 1. Also called: Muscular dystrophy-dystroglycanopathy (congenital with intellectual disability), type B1; MUSCULAR DYSTROPHY, CONGENITAL, POMT1-RELATED. Identifiers: MedGen C5436962, MONDO:0013159, OMIM 613155.
Autosomal recessive limb-girdle muscular dystrophy type 2K. Also called: MUSCULAR DYSTROPHY-DYSTROGLYCANOPATHY (LIMB-GIRDLE), TYPE C, 1; MUSCULAR DYSTROPHY, LIMB-GIRDLE, TYPE 2K. Identifiers: Orphanet 86812, MedGen C1836373, MONDO:0012248, OMIM 609308.

Allele frequency attached by ClinVar (database versions not stated): ExAC 0.00005; TOPMed 0.00011; gnomAD 0.00012 and 0.00011; gnomAD exomes 0.00017 and 0.00004.
gnomAD v4.1: 259 of 1,614,114 alleles (0.016%); highest among the groups gnomAD compares: Non-Finnish European, 0.021%; no homozygotes.

Submissions (4):

Labcorp Genetics (formerly Invitae), Labcorp
Classification: Likely benign for Muscular dystrophy-dystroglycanopathy (congenital with impaired intellectual development), type B, 1; Walker-Warburg congenital muscular dystrophy; Autosomal recessive limb-girdle muscular dystrophy type 2K. Last evaluated: 2025-02-05. Review status: criteria provided, single submitter. Criteria: Invitae Variant Classification Sherloc (09022015). Collection method: clinical testing. Allele origin: germline.

GeneDx
Classification: Likely benign. Last evaluated: 2017-12-22. Review status: criteria provided, single submitter. Criteria: GeneDx Variant Classification (06012015). Collection method: clinical testing. Allele origin: germline. Affected: yes.
Comment: This variant is considered likely benign or benign based on one or more of the following criteria: it is a conservative change, it occurs at a poorly conserved position in the protein, it is predicted to be benign by multiple in silico algorithms, and/or has population frequency not consistent with disease.

Eurofins Ntd Llc (ga)
Classification: Uncertain significance. Last evaluated: 2017-05-09. Review status: criteria provided, single submitter. Criteria: EGL Classification Definitions 2015. Collection method: clinical testing. Allele origin: germline. Observed: 2 variant alleles, 2 heterozygotes.

PreventionGenetics, part of Exact Sciences
Classification: Likely benign for POMT1-related condition. Last evaluated: 2021-07-28. Review status: no assertion criteria provided. Collection method: clinical testing. Allele origin: germline. Not counted in ClinVar's aggregate classification.
Comment: This variant is classified as likely benign based on ACMG/AMP sequence variant interpretation guidelines (Richards et al. 2015 PMID: 25741868, with internal and published modifications).